The following is an entry in ClinVar:

ClinVar aggregate classification (germline): Likely benign (1 of 4 stars; one submission).

gnomAD v4.1: 107 of 1,613,884 alleles (0.0066%); highest among the groups gnomAD compares: Non-Finnish European, 0.009%; no homozygotes.

Submission:

Mayo Clinic Laboratories, Mayo Clinic
Classification: Likely benign. Last evaluated: 2024-10-15. Review status: criteria provided, single submitter. Criteria: ACMG Guidelines, 2015. Collection method: clinical testing. Allele origin: germline. Observed: 1 variant allele.
Comment: BP4, BP7

NM_033064.5(ATCAY):c.411A>G (p.Leu137=)

Gene: ATCAY (ATCAY kinesin light chain interacting caytaxin; plus strand). Cytogenetic location: 19p13.3.
Variant type: single nucleotide variant.
Coding change: c.411A>G on transcript NM_033064.5 (MANE Select); coding-DNA position 411, A replaced by G.
Protein change: p.Leu137=; no amino-acid change (leucine 137 retained).
Molecular consequence: synonymous variant.
Genome position (GRCh38, 1-based): chr19:3,907,786, A>G. VCF-style: chr19-3907786-A-G. GRCh37 (hg19) VCF-style: chr19-3907784-A-G.
Other names: p.Leu137=.
Identifiers: ClinVar variation 4684297 (VCV004684297.1).